The following is an entry in ClinVar:

NM_002432.3(MNDA):c.406A>G (p.Arg136Gly)

Gene: MNDA (myeloid cell nuclear differentiation antigen; plus strand). Cytogenetic location: 1q23.1.
Variant type: single nucleotide variant.
Coding change: c.406A>G on transcript NM_002432.3 (MANE Select); coding-DNA position 406, A replaced by G.
Protein change: p.Arg136Gly; replaces arginine 136 with glycine.
Molecular consequence: missense variant.
Genome position (GRCh38, 1-based): chr1:158,843,958, A>G. VCF-style: chr1-158843958-A-G. GRCh37 (hg19) VCF-style: chr1-158813748-A-G.
Other names: short protein forms R136G.
Identifiers: ClinVar variation 1737525 (VCV001737525.2), dbSNP rs767623674, ClinGen allele CA1185587.

ClinVar aggregate classification (germline): Uncertain significance (1 of 4 stars; one submission).

Allele frequency attached by ClinVar (database versions not stated): TOPMed 0.00001; gnomAD exomes 0.00005; ExAC 0.00008.
gnomAD v4.1: 75 of 1,580,722 alleles (0.0047%); highest among the groups gnomAD compares: South Asian, 0.062%; no homozygotes.

Submission:

Ambry Genetics
Classification: Uncertain significance. Last evaluated: 2023-09-28. Review status: criteria provided, single submitter. Criteria: Ambry Variant Classification Scheme 2023. Collection method: clinical testing. Allele origin: germline.
Comment: The p.R136G variant (also known as c.406A>G), located in coding exon 3 of the MNDA gene, results from an A to G substitution at nucleotide position 406. The arginine at codon 136 is replaced by glycine, an amino acid with dissimilar properties. This amino acid position is conserved. In addition, this alteration is predicted to be tolerated by in silico analysis. Since supporting evidence is limited at this time, the clinical significance of this alteration remains unclear.